The following is an entry in ClinVar:

NM_001127208.3(TET2):c.1408T>C (p.Cys470Arg)

Genes: TET2 (tet methylcytosine dioxygenase 2; plus strand), TET2-AS1 (TET2 antisense RNA 1; minus strand). Cytogenetic location: 4q24.
Variant type: single nucleotide variant.
Coding change: c.1408T>C on transcript NM_001127208.3 (MANE Select); coding-DNA position 1408, T replaced by C.
Protein change: p.Cys470Arg; replaces cysteine 470 with arginine.
Molecular consequence: missense variant.
Genome position (GRCh38, 1-based): chr4:105,235,350, T>C. VCF-style: chr4-105235350-T-C. GRCh37 (hg19) VCF-style: chr4-106156507-T-C.
Other names: c.1408T>C, p.Cys470Arg (NM_017628.4); short protein forms C470R.
Identifiers: ClinVar variation 4865536 (VCV004865536.1).

ClinVar aggregate classification (germline): Uncertain significance (1 of 4 stars; one submission).

Submission:

Ambry Genetics
Classification: Uncertain significance. Last evaluated: 2026-04-13. Review status: criteria provided, single submitter. Criteria: Ambry Variant Classification Scheme 2023. Collection method: clinical testing. Allele origin: germline.
Comment: The p.C470R variant (also known as c.1408T>C), located in coding exon 1 of the TET2 gene, results from a T to C substitution at nucleotide position 1408. The cysteine at codon 470 is replaced by arginine, an amino acid with highly dissimilar properties. This amino acid position is conserved. In addition, this alteration is predicted to be tolerated by in silico analysis. Based on the available evidence, the clinical significance of this variant remains unclear.